The following is an entry in ClinVar:

NM_002887.4(RARS1):c.968A>G (p.Tyr323Cys)

Gene: RARS1 (arginyl-tRNA synthetase 1; plus strand). Cytogenetic location: 5q34.
Variant type: single nucleotide variant.
Coding change: c.968A>G on transcript NM_002887.4 (MANE Select); coding-DNA position 968, A replaced by G.
Protein change: p.Tyr323Cys; replaces tyrosine 323 with cysteine.
Molecular consequence: missense variant.
Genome position (GRCh38, 1-based): chr5:168,502,016, A>G. VCF-style: chr5-168502016-A-G. GRCh37 (hg19) VCF-style: chr5-167929021-A-G.
Other names: short protein forms Y323C.
Identifiers: ClinVar variation 2017641 (VCV002017641.4), dbSNP rs201624228, ClinGen allele CA3549785.
Genomic context (GRCh38, chr5:168,502,016, plus strand): 5'-AATTCTTATGCATTTTATTTGGTGGCATTTTATTTTCTTCCCTAGAGTTAAATAAAATCT[A>G]TGATGCATTGGACGTCTCTTTAATAGAGAGAGGGGAATCCTTCTATCAAGATAGGATGAA-3'
Protein context (NP_002878.2, residues 313-333): DVSRQELNKI[Tyr323Cys]DALDVSLIER

ClinVar aggregate classification (germline): Uncertain significance. Review status: criteria provided, multiple submitters, no conflicts (2 of 4 stars). 2 submissions from 2 submitters: Uncertain significance (2). Last evaluated 2025-08-20.

Conditions:
Inborn genetic diseases. Identifiers: MedGen C0950123, MeSH D030342.

Allele frequency attached by ClinVar (database versions not stated): gnomAD exomes 0.00001; ExAC 0.00002; gnomAD 0.00003; TOPMed 0.00004.
gnomAD v4.1: 19 of 1,589,382 alleles (0.0012%); highest among the groups gnomAD compares: Middle Eastern, 0.017%; no homozygotes.

Submissions (2):

Ambry Genetics
Classification: Uncertain significance for Inborn genetic diseases. Last evaluated: 2025-08-20. Review status: criteria provided, single submitter. Criteria: Ambry Variant Classification Scheme 2023. Collection method: clinical testing. Allele origin: germline.

Labcorp Genetics (formerly Invitae), Labcorp
Classification: Uncertain significance. Last evaluated: 2022-07-19. Review status: criteria provided, single submitter. Criteria: Invitae Variant Classification Sherloc (09022015). Collection method: clinical testing. Allele origin: germline.
Comment: This sequence change replaces tyrosine, which is neutral and polar, with cysteine, which is neutral and slightly polar, at codon 323 of the RARS protein (p.Tyr323Cys). This variant is present in population databases (rs201624228, gnomAD 0.02%). This variant has not been reported in the literature in individuals affected with RARS-related conditions. Algorithms developed to predict the effect of missense changes on protein structure and function (SIFT, PolyPhen-2, Align-GVGD) all suggest that this variant is likely to be disruptive. In summary, the available evidence is currently insufficient to determine the role of this variant in disease. Therefore, it has been classified as a Variant of Uncertain Significance.